The following is an entry in ClinVar:

ClinVar aggregate classification (germline): Uncertain significance (1 of 4 stars; one submission).

Conditions:
Primary ciliary dyskinesia. Also called: Ciliary dyskinesia. Identifiers: Orphanet 244, MedGen C0008780, MONDO:0016575, HP:0012265.

Submission:

Ambry Genetics
Classification: Uncertain significance for Primary ciliary dyskinesia. Last evaluated: 2022-12-31. Review status: criteria provided, single submitter. Criteria: Ambry Variant Classification Scheme 2023. Collection method: clinical testing. Allele origin: germline.
Comment: The p.P403R variant (also known as c.1208C>G), located in coding exon 12 of the NME8 gene, results from a C to G substitution at nucleotide position 1208. The proline at codon 403 is replaced by arginine, an amino acid with dissimilar properties. This amino acid position is conserved. In addition, the in silico prediction for this alteration is inconclusive. Since supporting evidence is limited at this time, the clinical significance of this alteration remains unclear.

NM_016616.5(NME8):c.1208C>G (p.Pro403Arg)

Gene: NME8 (NME/NM23 family member 8; plus strand). Cytogenetic location: 7p14.1.
Variant type: single nucleotide variant.
Coding change: c.1208C>G on transcript NM_016616.5 (MANE Select); coding-DNA position 1208, C replaced by G.
Protein change: p.Pro403Arg; replaces proline 403 with arginine.
Molecular consequence: missense variant.
Genome position (GRCh38, 1-based): chr7:37,885,213, C>G. VCF-style: chr7-37885213-C-G. GRCh37 (hg19) VCF-style: chr7-37924815-C-G.
Other names: short protein forms P403R.
Identifiers: ClinVar variation 2448890 (VCV002448890.2), dbSNP rs2483659595, ClinGen allele CA367216042.